The following is an entry in ClinVar:

ClinVar aggregate classification (germline): Uncertain significance (1 of 4 stars; one submission).

Conditions:
Brugada syndrome. Also called: Sudden unexpected nocturnal death syndrome; Sudden unexplained nocturnal death syndrome; Sudden Unexplained Death Syndrome; Sudden Unexplained Nocturnal Death Syndrome (SUNDS). Identifiers: Orphanet 130, MedGen C1142166, MONDO:0015263.

Submission:

Labcorp Genetics (formerly Invitae), Labcorp
Classification: Uncertain significance for Brugada syndrome. Last evaluated: 2025-06-18. Review status: criteria provided, single submitter. Criteria: Invitae Variant Classification Sherloc (09022015). Collection method: clinical testing. Allele origin: germline.
Comment: This sequence change replaces alanine, which is neutral and non-polar, with valine, which is neutral and non-polar, at codon 18 of the KCNJ8 protein (p.Ala18Val). This variant is not present in population databases (gnomAD no frequency). This variant has not been reported in the literature in individuals affected with KCNJ8-related conditions. Invitae Evidence Modeling of protein sequence and biophysical properties (such as structural, functional, and spatial information, amino acid conservation, physicochemical variation, residue mobility, and thermodynamic stability) indicates that this missense variant is not expected to disrupt KCNJ8 protein function with a negative predictive value of 95%. In summary, the available evidence is currently insufficient to determine the role of this variant in disease. Therefore, it has been classified as a Variant of Uncertain Significance.

NM_004982.4(KCNJ8):c.53C>T (p.Ala18Val)

Genes: KCNJ8 (potassium inwardly rectifying channel subfamily J member 8; minus strand), KCNJ8-AS1 (KCNJ8 antisense RNA 1; plus strand). Cytogenetic location: 12p12.1.
Variant type: single nucleotide variant.
Coding change: c.53C>T on transcript NM_004982.4 (MANE Select); coding-DNA position 53, C replaced by T.
Protein change: p.Ala18Val; replaces alanine 18 with valine.
Molecular consequence: missense variant.
Genome position (GRCh38, 1-based): chr12:21,773,564, G>A on the plus strand (C>T on the coding strand, the complement: KCNJ8 is on the minus strand). VCF-style: chr12-21773564-G-A. GRCh37 (hg19) VCF-style: chr12-21926498-G-A.
Other names: short protein forms A18V.
Identifiers: ClinVar variation 4748673 (VCV004748673.1).
Genomic context (GRCh38, chr12:21,773,564, plus strand): 5'-GCGATGAAGCGGGCTTTGGGGAGGCGGTCTCGGATGCGCGGCTTGCGCAGGTTCTCTGCG[G>A]CGATGCGCGCCAGCACATACTCCTCCGGGATGATACTCTTTCTGGCCAACATCGTCCTGT-3'
Protein context (NP_004973.1, residues 8-28): IPEEYVLARI[Ala18Val]AENLRKPRIR